The following is an entry in ClinVar:

ClinVar aggregate classification (germline): Uncertain significance. Review status: criteria provided, multiple submitters, no conflicts (2 of 4 stars). 2 submissions from 2 submitters: Uncertain significance (2). Last evaluated 2023-08-10.

Conditions:
Noonan syndrome 11. Identifiers: MedGen C5193130, MONDO:0032786, OMIM 618499.

Allele frequency attached by ClinVar (database versions not stated): ExAC 0.00001; gnomAD 0.00001; gnomAD exomes 0.00001.
gnomAD v4.1: 19 of 1,542,598 alleles (0.0012%); highest among the groups gnomAD compares: East Asian, 0.0026%; no homozygotes.

Submissions (2):

Labcorp Genetics (formerly Invitae), Labcorp
Classification: Uncertain significance. Last evaluated: 2023-08-10. Review status: criteria provided, single submitter. Criteria: Invitae Variant Classification Sherloc (09022015). Collection method: clinical testing. Allele origin: germline.
Comment: In summary, the available evidence is currently insufficient to determine the role of this variant in disease. Therefore, it has been classified as a Variant of Uncertain Significance. An algorithm developed to predict the effect of missense changes on protein structure and function (PolyPhen-2) suggests that this variant is likely to be tolerated. ClinVar contains an entry for this variant (Variation ID: 1367684). This variant has not been reported in the literature in individuals affected with MRAS-related conditions. The frequency data for this variant in the population databases is considered unreliable, as metrics indicate poor data quality at this position in the gnomAD database. This sequence change replaces alanine, which is neutral and non-polar, with threonine, which is neutral and polar, at codon 5 of the MRAS protein (p.Ala5Thr).

Neuberg Centre For Genomic Medicine, NCGM
Classification: Uncertain significance for Noonan syndrome 11. Review status: criteria provided, single submitter. Criteria: ACMG Guidelines, 2015. Collection method: clinical testing. Allele origin: germline. Inheritance: Autosomal dominant inheritance. Affected: yes.
Comment: The observed missense variant c.13G>A(p.Ala5Thr) in the MRAS gene has not been reported previously as a pathogenic variant nor as a benign variant, to our knowledge. This variant is reported with the allele frequency 0.001% in the gnomAD Exomes. This variant has been reported to the ClinVar database as Uncertain Significance. However, no details are available for independent assessment. The amino acid Ala at position 5 is changed to a Thr changing protein sequence and it might alter its composition and physico- chemical properties. Computational evidence (Polyphen - Benign, SIFT - Tolerated and MutationTaster - Disease causing) predicts conflicting evidence on protein structure and function for this variant. The residue is conserved by GERP++ and PhyloP across 100 vertebrates. For these reasons, this variant has been classified as Uncertain Significance.

NM_001085049.3(MRAS):c.13G>A (p.Ala5Thr)

Gene: MRAS (muscle RAS oncogene homolog; plus strand). Cytogenetic location: 3q22.3.
Variant type: single nucleotide variant.
Coding change: c.13G>A on transcript NM_001085049.3 (MANE Select); coding-DNA position 13, G replaced by A.
Protein change: p.Ala5Thr; replaces alanine 5 with threonine.
Molecular consequence: missense variant. On other transcripts: intron variant (3).
Genome position (GRCh38, 1-based): chr3:138,372,896, G>A. VCF-style: chr3-138372896-G-A. GRCh37 (hg19) VCF-style: chr3-138091738-G-A.
Other names: c.13G>A, p.Ala5Thr (NM_001252090.2, NM_012219.4); c.-35-24428G>A (NM_001252091.1); c.-36+24129G>A (NM_001252093.2); c.-36+23864G>A (NM_001252092.2); short protein forms A5T.
Identifiers: ClinVar variation 1367684 (VCV001367684.7), dbSNP rs767548259, ClinGen allele CA2636914.